The following is an entry in ClinVar:

ClinVar aggregate classification (germline): Uncertain significance (1 of 4 stars; one submission).

Conditions:
Vici syndrome (VICIS). Identifiers: Orphanet 1493, MedGen C1855772, MONDO:0009452, OMIM 242840.

Allele frequency attached by ClinVar (database versions not stated): gnomAD 0.00001; gnomAD exomes 0.00001; TOPMed 0.00001.
gnomAD v4.1: 22 of 1,564,198 alleles (0.0014%); highest among the groups gnomAD compares: Non-Finnish European, 0.0019%; no homozygotes.

Submission:

Labcorp Genetics (formerly Invitae), Labcorp
Classification: Uncertain significance for Vici syndrome. Last evaluated: 2024-11-18. Review status: criteria provided, single submitter. Criteria: Invitae Variant Classification Sherloc (09022015). Collection method: clinical testing. Allele origin: germline.
Comment: This sequence change replaces isoleucine, which is neutral and non-polar, with threonine, which is neutral and polar, at codon 895 of the EPG5 protein (p.Ile895Thr). This variant is present in population databases (rs757009134, gnomAD 0.002%). This variant has not been reported in the literature in individuals affected with EPG5-related conditions. ClinVar contains an entry for this variant (Variation ID: 2910661). Invitae Evidence Modeling of protein sequence and biophysical properties (such as structural, functional, and spatial information, amino acid conservation, physicochemical variation, residue mobility, and thermodynamic stability) indicates that this missense variant is expected to disrupt EPG5 protein function with a positive predictive value of 80%. In summary, the available evidence is currently insufficient to determine the role of this variant in disease. Therefore, it has been classified as a Variant of Uncertain Significance.

NM_020964.3(EPG5):c.2684T>C (p.Ile895Thr)

Gene: EPG5 (ectopic P-granules 5 autophagy tethering factor; minus strand). Cytogenetic location: 18q21.1.
Variant type: single nucleotide variant.
Coding change: c.2684T>C on transcript NM_020964.3 (MANE Select); coding-DNA position 2684, T replaced by C.
Protein change: p.Ile895Thr; replaces isoleucine 895 with threonine.
Molecular consequence: missense variant.
Genome position (GRCh38, 1-based): chr18:45,925,772, A>G on the plus strand (T>C on the coding strand, the complement: EPG5 is on the minus strand). VCF-style: chr18-45925772-A-G. GRCh37 (hg19) VCF-style: chr18-43505738-A-G.
Other names: c.2684T>C, p.Ile895Thr (NM_001410858.1, NM_001410859.1); short protein forms I895T.
Identifiers: ClinVar variation 2910661 (VCV002910661.3), dbSNP rs757009134, ClinGen allele CA299773101.